The following is an entry in ClinVar:

NM_018136.5(ASPM):c.7581_7585del (p.Tyr2527_Arg2529delinsTer)

Gene: ASPM (assembly factor for spindle microtubules; minus strand). Cytogenetic location: 1q31.3.
Variant type: Deletion.
Coding change: c.7581_7585del on transcript NM_018136.5 (MANE Select); coding-DNA positions 7581 to 7585, 5 bases deleted (TATCA; older notation c.7581_7585delTATCA).
Protein change: p.Tyr2527_Arg2529delinsTer.
Molecular consequence: nonsense. On other transcripts: intron variant (1).
Genome position (GRCh38, 1-based): chr1:197,101,666-197,101,670, TGATA deleted on the plus strand (TATCA on the coding strand, the reverse complement: ASPM is on the minus strand); deleting any 5 consecutive bases within chr1:197,101,666-197,101,671 gives the same sequence; the c. name uses the placement nearest the transcript's 3' end. VCF-style (leftmost placement, unchanged base first): chr1-197101665-CTGATA-C. GRCh37 (hg19) VCF-style: chr1-197070795-CTGATA-C.
Other names: c.4066-5506_4066-5502del (NM_001206846.2).
Identifiers: ClinVar variation 522025 (VCV000522025.7), dbSNP rs765530357, ClinGen allele CA1309369.

ClinVar aggregate classification (germline): Pathogenic. Review status: criteria provided, multiple submitters, no conflicts (2 of 4 stars). 2 submissions from 2 submitters: Pathogenic (2). Last evaluated 2023-12-18.

Conditions:
Inborn genetic diseases. Identifiers: MedGen C0950123, MeSH D030342.

Submissions (2):

Labcorp Genetics (formerly Invitae), Labcorp
Classification: Pathogenic. Last evaluated: 2023-12-18. Review status: criteria provided, single submitter. Criteria: Invitae Variant Classification Sherloc (09022015). Collection method: clinical testing. Allele origin: germline.
Comment: This sequence change creates a premature translational stop signal (p.Tyr2527*) in the ASPM gene. It is expected to result in an absent or disrupted protein product. Loss-of-function variants in ASPM are known to be pathogenic (PMID: 19028728, 23611254). This variant is present in population databases (rs765530357, gnomAD 0.003%). This variant has not been reported in the literature in individuals affected with ASPM-related conditions. ClinVar contains an entry for this variant (Variation ID: 522025). For these reasons, this variant has been classified as Pathogenic.

Ambry Genetics
Classification: Pathogenic for Inborn genetic diseases. Last evaluated: 2017-09-19. Review status: criteria provided, single submitter. Criteria: Ambry exome assertion method (8-5-2015). Collection method: clinical testing. Allele origin: germline. Affected: yes. Observed: 1 variant allele.

Literature cited by the submitters: PubMed 19028728 (cited by Labcorp Genetics (formerly Invitae), Labcorp); PubMed 23611254 (cited by Labcorp Genetics (formerly Invitae), Labcorp).